The following is an entry in ClinVar:

ClinVar aggregate classification (germline): Likely benign (1 of 4 stars; one submission).

Submission:

CeGaT Center for Human Genetics Tuebingen
Classification: Likely benign. Last evaluated: 2023-02-01. Review status: criteria provided, single submitter. Criteria: CeGaT Center For Human Genetics Tuebingen Variant Classification Criteria Version 2. Collection method: clinical testing. Allele origin: germline. Affected: yes. Observed: 1 variant allele.
Comment: CT47B1: BS2

NM_001145718.3(CT47B1):c.431C>A (p.Ala144Glu)

Gene: CT47B1 (cancer/testis antigen family 47 member B1; minus strand). Cytogenetic location: Xq24.
Variant type: single nucleotide variant.
Coding change: c.431C>A on transcript NM_001145718.3 (MANE Select); coding-DNA position 431, C replaced by A.
Protein change: p.Ala144Glu; replaces alanine 144 with glutamic acid.
Molecular consequence: missense variant.
Genome position (GRCh38, 1-based): chrX:120,875,240, G>T on the plus strand (C>A on the coding strand, the complement: CT47B1 is on the minus strand). VCF-style: chrX-120875240-G-T. GRCh37 (hg19) VCF-style: chrX-120009094-G-T.
Other names: short protein forms A144E.
Identifiers: ClinVar variation 2661335 (VCV002661335.24), dbSNP rs774833900, ClinGen allele CA10506230.